The following is an entry in ClinVar:

ClinVar aggregate classification (germline): Uncertain significance. Review status: criteria provided, multiple submitters, no conflicts (2 of 4 stars). 2 submissions from 2 submitters: Uncertain significance (2). Last evaluated 2024-01-08.

Conditions:
KBG syndrome (KBGS). Also called: ANKRD11-Related KBG Syndrome. Identifiers: Orphanet 2332, MedGen C0220687, MONDO:0007846, OMIM 148050.

Allele frequency attached by ClinVar (database versions not stated): gnomAD exomes below 0.00001; TOPMed below 0.00001.
gnomAD v4.1: 2 of 1,613,994 alleles (0.00012%); highest among the groups gnomAD compares: East Asian, 0.0022%; no homozygotes.

Submissions (2):

Labcorp Genetics (formerly Invitae), Labcorp
Classification: Uncertain significance for KBG syndrome. Last evaluated: 2024-01-08. Review status: criteria provided, single submitter. Criteria: Invitae Variant Classification Sherloc (09022015). Collection method: clinical testing. Allele origin: germline.
Comment: This sequence change replaces glycine, which is neutral and non-polar, with serine, which is neutral and polar, at codon 1576 of the ANKRD11 protein (p.Gly1576Ser). This variant is not present in population databases (gnomAD no frequency). This variant has not been reported in the literature in individuals affected with ANKRD11-related conditions. ClinVar contains an entry for this variant (Variation ID: 2443602). Advanced modeling of protein sequence and biophysical properties (such as structural, functional, and spatial information, amino acid conservation, physicochemical variation, residue mobility, and thermodynamic stability) performed at Invitae indicates that this missense variant is not expected to disrupt ANKRD11 protein function with a negative predictive value of 95%. In summary, the available evidence is currently insufficient to determine the role of this variant in disease. Therefore, it has been classified as a Variant of Uncertain Significance.

GeneDx
Classification: Uncertain significance. Last evaluated: 2022-09-13. Review status: criteria provided, single submitter. Criteria: GeneDx Variant Classification Process June 2021. Collection method: clinical testing. Allele origin: germline. Affected: yes.
Comment: Not observed at significant frequency in large population cohorts (gnomAD); In silico analysis supports that this missense variant does not alter protein structure/function; Has not been previously published as pathogenic or benign to our knowledge

NM_013275.6(ANKRD11):c.4726G>A (p.Gly1576Ser)

Gene: ANKRD11 (ankyrin repeat domain 11; minus strand). Cytogenetic location: 16q24.3.
Variant type: single nucleotide variant.
Coding change: c.4726G>A on transcript NM_013275.6 (MANE Select); coding-DNA position 4726, G replaced by A.
Protein change: p.Gly1576Ser; replaces glycine 1576 with serine.
Molecular consequence: missense variant.
Genome position (GRCh38, 1-based): chr16:89,281,816, C>T on the plus strand (G>A on the coding strand, the complement: ANKRD11 is on the minus strand). VCF-style: chr16-89281816-C-T. GRCh37 (hg19) VCF-style: chr16-89348224-C-T.
Other names: c.4726G>A, p.Gly1576Ser (NM_001256182.2, NM_001256183.2); short protein forms G1576S.
Identifiers: ClinVar variation 2443602 (VCV002443602.4), dbSNP rs2034273951, ClinGen allele CA397156950.
Genomic context (GRCh38, chr16:89,281,816, plus strand): 5'-CCTCGATCTCCAGGTCCTTCTGGGACAGCATCCTCTCGAAGCTGGTCATCATCAGGTCGC[C>T]GTCCCCCAGGAGCTTCTCCCTGGGCCTGGCGTCTTTCTTGCCTGGGTCTTTGGATGGCGC-3'
Protein context (NP_037407.4, residues 1566-1586): ARPREKLLGD[Gly1576Ser]DLMMTSFERM